The following is an entry in ClinVar:

NM_020549.5(CHAT):c.767C>T (p.Thr256Ile)

Gene: CHAT (choline O-acetyltransferase; plus strand). Cytogenetic location: 10q11.23.
Variant type: single nucleotide variant.
Coding change: c.767C>T on transcript NM_020549.5 (MANE Select); coding-DNA position 767, C replaced by T.
Protein change: p.Thr256Ile; replaces threonine 256 with isoleucine.
Molecular consequence: missense variant.
Genome position (GRCh38, 1-based): chr10:49,625,487, C>T. VCF-style: chr10-49625487-C-T. GRCh37 (hg19) VCF-style: chr10-50833533-C-T.
Other names: c.413C>T, p.Thr138Ile (NM_001142929.2, NM_001142934.2, NM_020984.4 and 2 more transcripts); c.521C>T, p.Thr174Ile (NM_001142933.2); short protein forms T174I, T256I, T138I.
Identifiers: ClinVar variation 945759 (VCV000945759.9), dbSNP rs754977595, ClinGen allele CA5497269.
Genomic context (GRCh38, chr10:49,625,487, plus strand): 5'-CCACCATCCCCTCGTGGCTGCCTCCCTTCCCACTCCTCTCCTTCAGCCACTCCATTCCCA[C>T]TGACTGTGCCAAAGGCCAGCTGTCAGGGCAGCCCCTTTGCATGAAGCAATACTATGGGCT-3'
Protein context (NP_065574.4, residues 246-266): KALLDSHSIP[Thr256Ile]DCAKGQLSGQ

ClinVar aggregate classification (germline): Uncertain significance (1 of 4 stars; one submission).

Conditions:
Familial infantile myasthenia (CMS6). Also called: MYASTHENIC SYNDROME, PRESYNAPTIC, CONGENITAL, ASSOCIATED WITH EPISODIC APNEA; MYASTHENIC SYNDROME, CONGENITAL, 6, PRESYNAPTIC; Congenital myasthenic syndrome type 6. Identifiers: Orphanet 590, MedGen C0393929, MONDO:0009689, OMIM 254210.

Allele frequency attached by ClinVar (database versions not stated): gnomAD exomes below 0.00001; TOPMed below 0.00001; ExAC 0.00001.

Submission:

Labcorp Genetics (formerly Invitae), Labcorp
Classification: Uncertain significance for Familial infantile myasthenia. Last evaluated: 2024-02-27. Review status: criteria provided, single submitter. Criteria: Invitae Variant Classification Sherloc (09022015). Collection method: clinical testing. Allele origin: germline.
Comment: This sequence change replaces threonine, which is neutral and polar, with isoleucine, which is neutral and non-polar, at codon 256 of the CHAT protein (p.Thr256Ile). This variant is present in population databases (rs754977595, gnomAD 0.0009%). This variant has not been reported in the literature in individuals affected with CHAT-related conditions. ClinVar contains an entry for this variant (Variation ID: 945759). Advanced modeling of protein sequence and biophysical properties (such as structural, functional, and spatial information, amino acid conservation, physicochemical variation, residue mobility, and thermodynamic stability) performed at Invitae indicates that this missense variant is not expected to disrupt CHAT protein function with a negative predictive value of 95%. In summary, the available evidence is currently insufficient to determine the role of this variant in disease. Therefore, it has been classified as a Variant of Uncertain Significance.